The following is an entry in ClinVar:

ClinVar aggregate classification (germline): Uncertain significance (1 of 4 stars; one submission).

Allele frequency attached by ClinVar (database versions not stated): TOPMed 0.00001.

Submission:

Labcorp Genetics (formerly Invitae), Labcorp
Classification: Uncertain significance. Last evaluated: 2022-10-13. Review status: criteria provided, single submitter. Criteria: Invitae Variant Classification Sherloc (09022015). Collection method: clinical testing. Allele origin: germline.
Comment: This variant is not present in population databases (gnomAD no frequency). This sequence change affects codon 1419 of the CACNA1E mRNA. It is a 'silent' change, meaning that it does not change the encoded amino acid sequence of the CACNA1E protein. This variant has not been reported in the literature in individuals affected with CACNA1E-related conditions. Algorithms developed to predict the effect of sequence changes on RNA splicing suggest that this variant may create or strengthen a splice site. In summary, the available evidence is currently insufficient to determine the role of this variant in disease. Therefore, it has been classified as a Variant of Uncertain Significance.

NM_001205293.3(CACNA1E):c.4257G>A (p.Val1419=)

Gene: CACNA1E (calcium voltage-gated channel subunit alpha1 E; plus strand). Cytogenetic location: 1q25.3.
Variant type: single nucleotide variant.
Coding change: c.4257G>A on transcript NM_001205293.3 (MANE Select); coding-DNA position 4257, G replaced by A.
Protein change: p.Val1419=; no amino-acid change (valine 1419 retained).
Molecular consequence: synonymous variant.
Genome position (GRCh38, 1-based): chr1:181,757,054, G>A. VCF-style: chr1-181757054-G-A. GRCh37 (hg19) VCF-style: chr1-181726190-G-A.
Other names: c.4257G>A, p.Val1419= (NM_000721.4); c.4200G>A, p.Val1400= (NM_001205294.2).
Identifiers: ClinVar variation 2087388 (VCV002087388.4), dbSNP rs1658148355, ClinGen allele CA422084877.